The following is an entry in ClinVar:

NM_000302.4(PLOD1):c.2153G>A (p.Arg718His)

Gene: PLOD1 (procollagen-lysine,2-oxoglutarate 5-dioxygenase 1; plus strand). Cytogenetic location: 1p36.22.
Variant type: single nucleotide variant.
Coding change: c.2153G>A on transcript NM_000302.4 (MANE Select); coding-DNA position 2153, G replaced by A.
Protein change: p.Arg718His; replaces arginine 718 with histidine.
Molecular consequence: missense variant.
Genome position (GRCh38, 1-based): chr1:11,974,777, G>A. VCF-style: chr1-11974777-G-A. GRCh37 (hg19) VCF-style: chr1-12034834-G-A.
Other names: c.2294G>A, p.Arg765His (NM_001316320.2); short protein forms R765H, R718H.
Identifiers: ClinVar variation 2450256 (VCV002450256.2), dbSNP rs187909486, ClinGen allele CA598686.

ClinVar aggregate classification (germline): Uncertain significance (1 of 4 stars; one submission).

Conditions:
Familial thoracic aortic aneurysm and aortic dissection (TAAD). Also called: Thoracic aortic aneurysms and dissections. Identifiers: Orphanet 91387, MedGen C4707243, MONDO:0019625.

Allele frequency attached by ClinVar (database versions not stated): gnomAD 0.00001; ExAC 0.00002; 1000 Genomes Project 30x 0.00016; 1000 Genomes Project 0.00020.
gnomAD v4.1: 26 of 1,614,072 alleles (0.0016%); highest among the groups gnomAD compares: South Asian, 0.0033%; no homozygotes.

Submission:

Ambry Genetics
Classification: Uncertain significance for Familial thoracic aortic aneurysm and aortic dissection. Last evaluated: 2023-02-26. Review status: criteria provided, single submitter. Criteria: Ambry Variant Classification Scheme 2023. Collection method: clinical testing. Allele origin: germline.
Comment: The p.R718H variant (also known as c.2153G>A), located in coding exon 19 of the PLOD1 gene, results from a G to A substitution at nucleotide position 2153. The arginine at codon 718 is replaced by histidine, an amino acid with highly similar properties. This amino acid position is conserved. In addition, this alteration is predicted to be deleterious by in silico analysis. Since supporting evidence is limited at this time, the clinical significance of this alteration remains unclear.